The following is an entry in ClinVar:

ClinVar aggregate classification (germline): Conflicting classifications of pathogenicity. Review status: criteria provided, conflicting classifications (1 of 4 stars). 3 submissions from 3 submitters: Uncertain significance (1); Likely benign (2). Last evaluated 2025-07-23.

Conditions:
Norman-Roberts syndrome (LIS2). Also called: Lissencephaly 2 (Norman-Roberts type). Identifiers: Orphanet 89844, MedGen C0796089, MONDO:0009760, OMIM 257320.
Familial temporal lobe epilepsy 7. Identifiers: Orphanet 101046, MedGen C4225327, MONDO:0014639, OMIM 616436.
RELN-related disorder. Also called: RELN-related condition.

Allele frequency attached by ClinVar (database versions not stated): gnomAD 0.00003; gnomAD exomes 0.00003; ExAC 0.00004; TOPMed 0.00004.
gnomAD v4.1: 49 of 1,596,400 alleles (0.0031%); highest among the groups gnomAD compares: Non-Finnish European, 0.0039%; no homozygotes.

Submissions (3):

Labcorp Genetics (formerly Invitae), Labcorp
Classification: Likely benign for Familial temporal lobe epilepsy 7; Norman-Roberts syndrome. Last evaluated: 2025-07-23. Review status: criteria provided, single submitter. Criteria: Invitae Variant Classification Sherloc (09022015). Collection method: clinical testing. Allele origin: germline.

PreventionGenetics, part of Exact Sciences
Classification: Likely benign for RELN-related condition. Last evaluated: 2024-12-19. Review status: criteria provided, single submitter. Criteria: ACMG Guidelines, 2015. Collection method: clinical testing. Allele origin: germline.
Comment: This variant is classified as likely benign based on ACMG/AMP sequence variant interpretation guidelines (Richards et al. 2015 PMID: 25741868, with internal and published modifications).

Genetic Services Laboratory, University of Chicago
Classification: Uncertain significance. Last evaluated: 2014-11-26. Review status: criteria provided, single submitter. Criteria: ACMG Guidelines, 2015. Collection method: clinical testing. Allele origin: germline.

NM_005045.4(RELN):c.795A>G (p.Gln265=)

Gene: RELN (reelin; minus strand). Cytogenetic location: 7q22.1.
Variant type: single nucleotide variant.
Coding change: c.795A>G on transcript NM_005045.4 (MANE Select); coding-DNA position 795, A replaced by G.
Protein change: p.Gln265=; no amino-acid change (glutamine 265 retained).
Molecular consequence: synonymous variant.
Genome position (GRCh38, 1-based): chr7:103,723,150, T>C on the plus strand (A>G on the coding strand, the complement: RELN is on the minus strand). VCF-style: chr7-103723150-T-C. GRCh37 (hg19) VCF-style: chr7-103363597-T-C.
Other names: c.795A>G, p.Gln265= (NM_173054.3).
Identifiers: ClinVar variation 212048 (VCV000212048.13), dbSNP rs749580328, ClinGen allele CA209981.